The following is an entry in ClinVar:

ClinVar aggregate classification (germline): Uncertain significance. Review status: criteria provided, multiple submitters, no conflicts (2 of 4 stars). 2 submissions from 2 submitters: Uncertain significance (2). Last evaluated 2025-05-26.

gnomAD v4.1: 58 of 1,594,572 alleles (0.0036%); highest among the groups gnomAD compares: Non-Finnish European, 0.0046%; no homozygotes.

Submissions (2):

Ambry Genetics
Classification: Uncertain significance. Last evaluated: 2025-05-26. Review status: criteria provided, single submitter. Criteria: Ambry Variant Classification Scheme 2023. Collection method: clinical testing. Allele origin: germline.

Labcorp Genetics (formerly Invitae), Labcorp
Classification: Uncertain significance. Last evaluated: 2024-05-18. Review status: criteria provided, single submitter. Criteria: Invitae Variant Classification Sherloc (09022015). Collection method: clinical testing. Allele origin: germline.
Comment: This sequence change replaces arginine, which is basic and polar, with cysteine, which is neutral and slightly polar, at codon 324 of the CEP89 protein (p.Arg324Cys). This variant is present in population databases (rs772026609, gnomAD 0.007%). This variant has not been reported in the literature in individuals affected with CEP89-related conditions. Algorithms developed to predict the effect of missense changes on protein structure and function output the following: SIFT: "Not Available"; PolyPhen-2: "Probably Damaging"; Align-GVGD: "Not Available". The cysteine amino acid residue is found in multiple mammalian species, which suggests that this missense change does not adversely affect protein function. In summary, the available evidence is currently insufficient to determine the role of this variant in disease. Therefore, it has been classified as a Variant of Uncertain Significance.

NM_032816.5(CEP89):c.970C>T (p.Arg324Cys)

Gene: CEP89 (centrosomal protein 89; minus strand). Cytogenetic location: 19q13.11.
Variant type: single nucleotide variant.
Coding change: c.970C>T on transcript NM_032816.5 (MANE Select); coding-DNA position 970, C replaced by T.
Protein change: p.Arg324Cys; replaces arginine 324 with cysteine.
Molecular consequence: missense variant.
Genome position (GRCh38, 1-based): chr19:32,931,488, G>A on the plus strand (C>T on the coding strand, the complement: CEP89 is on the minus strand). VCF-style: chr19-32931488-G-A. GRCh37 (hg19) VCF-style: chr19-33422394-G-A.
Other names: c.970C>T (NM_032816.3); short protein forms R324C.
Identifiers: ClinVar variation 3707845 (VCV003707845.3).